The following is an entry in ClinVar:

NM_017636.4(TRPM4):c.3566T>A (p.Val1189Glu)

Gene: TRPM4 (transient receptor potential cation channel subfamily M member 4; plus strand). Cytogenetic location: 19q13.33.
Variant type: single nucleotide variant.
Coding change: c.3566T>A on transcript NM_017636.4 (MANE Select); coding-DNA position 3566, T replaced by A.
Protein change: p.Val1189Glu; replaces valine 1189 with glutamic acid.
Molecular consequence: missense variant.
Genome position (GRCh38, 1-based): chr19:49,211,195, T>A. VCF-style: chr19-49211195-T-A. GRCh37 (hg19) VCF-style: chr19-49714452-T-A.
Other names: c.3131T>A, p.Val1044Glu (NM_001195227.2); c.3221T>A, p.Val1074Glu (NM_001321281.2); c.1958T>A, p.Val653Glu (NM_001321282.2); c.3044T>A, p.Val1015Glu (NM_001321283.2); c.2504T>A, p.Val835Glu (NM_001321285.2); short protein forms V835E, V1044E, V1074E, V1189E, V1015E, V653E.
Identifiers: ClinVar variation 3726873 (VCV003726873.2).
Genomic context (GRCh38, chr19:49,211,195, plus strand): 5'-CCCGCTCTGACATTCCTCCCATTCCGCAGGTCCAGCAGTGTAGCCGCGTCCTGGGGTGGG[T>A]GGCCGAGGCCCTGAGCCGCTCTGCCTTGCTGCCCCCAGGTGGGCCGCCACCCCCTGACCT-3'
Protein context (NP_060106.2, residues 1179-1199): VQQCSRVLGW[Val1189Glu]AEALSRSALL

ClinVar aggregate classification (germline): Uncertain significance (1 of 4 stars; one submission).

Conditions:
Progressive familial heart block type IB (PFHB1B). Identifiers: Orphanet 871, MedGen C1970298, MONDO:0011474, OMIM 604559.

gnomAD v4.1: 3 of 1,602,668 alleles (0.00019%); highest among the groups gnomAD compares: Non-Finnish European, 0.00026%; no homozygotes.

Submission:

Labcorp Genetics (formerly Invitae), Labcorp
Classification: Uncertain significance for Progressive familial heart block type IB. Last evaluated: 2024-12-08. Review status: criteria provided, single submitter. Criteria: Invitae Variant Classification Sherloc (09022015). Collection method: clinical testing. Allele origin: germline.
Comment: This sequence change replaces valine, which is neutral and non-polar, with glutamic acid, which is acidic and polar, at codon 1189 of the TRPM4 protein (p.Val1189Glu). This variant is not present in population databases (gnomAD no frequency). This variant has not been reported in the literature in individuals affected with TRPM4-related conditions. An algorithm developed to predict the effect of missense changes on protein structure and function (PolyPhen-2) suggests that this variant is likely to be disruptive. In summary, the available evidence is currently insufficient to determine the role of this variant in disease. Therefore, it has been classified as a Variant of Uncertain Significance.